The following is an entry in ClinVar:

NM_001103146.3(GIGYF2):c.1313C>T (p.Ser438Leu)

Gene: GIGYF2 (GRB10 interacting GYF protein 2; plus strand). Cytogenetic location: 2q37.1.
Variant type: single nucleotide variant.
Coding change: c.1313C>T on transcript NM_001103146.3 (MANE Select); coding-DNA position 1313, C replaced by T.
Protein change: p.Ser438Leu; replaces serine 438 with leucine.
Molecular consequence: missense variant. On other transcripts: non-coding transcript variant (1).
Genome position (GRCh38, 1-based): chr2:232,794,778, C>T. VCF-style: chr2-232794778-C-T. GRCh37 (hg19) VCF-style: chr2-233659488-C-T.
Other names: c.1376C>T, p.Ser459Leu (NM_001103147.2); c.1295C>T, p.Ser432Leu (NM_001103148.2); c.1313C>T, p.Ser438Leu (NM_015575.4); short protein forms S432L, S438L, S459L.
Identifiers: ClinVar variation 3348669 (VCV003348669.3).

ClinVar aggregate classification (germline): Uncertain significance. Review status: criteria provided, multiple submitters, no conflicts (2 of 4 stars). 2 submissions from 2 submitters: Uncertain significance (2). Last evaluated 2026-02-13.

Conditions:
Parkinson disease 11, autosomal dominant, susceptibility to. Also called: Parkinson disease 11. Identifiers: Orphanet 411602, MedGen C4083045, MONDO:0011896, OMIM 607688.
GIGYF2-related disorder. Also called: GIGYF2-related condition.

gnomAD v4.1: 175 of 1,613,734 alleles (0.011%); highest among the groups gnomAD compares: Non-Finnish European, 0.013%; no homozygotes.

Submissions (2):

OLLIN Analises Genomicas, OLLIN
Classification: Uncertain significance for Parkinson disease 11, autosomal dominant, susceptibility to. Last evaluated: 2026-02-13. Review status: criteria provided, single submitter. Criteria: ACMG Guidelines 2015 PMID 25741868. Collection method: clinical testing. Allele origin: germline. Observed: 1 variant allele.
Comment: PM2_P, BP4_M

PreventionGenetics, part of Exact Sciences
Classification: Uncertain significance for GIGYF2-related condition. Last evaluated: 2025-02-25. Review status: criteria provided, single submitter. Criteria: ACMG Guidelines, 2015. Collection method: clinical testing. Allele origin: germline.
Comment: The GIGYF2 c.1313C>T variant is predicted to result in the amino acid substitution p.Ser438Leu. To our knowledge, this variant has not been reported in the literature. This variant is reported in 0.020% of alleles in individuals of European (Finnish) descent in gnomAD. At this time, the clinical significance of this variant is uncertain due to the absence of conclusive functional and genetic evidence.